The following is an entry in ClinVar:

NM_024675.4(PALB2):c.208T>C (p.Ser70Pro)

Gene: PALB2 (partner and localizer of BRCA2; minus strand). Cytogenetic location: 16p12.2.
Variant type: single nucleotide variant.
Coding change: c.208T>C on transcript NM_024675.4 (MANE Select); coding-DNA position 208, T replaced by C.
Protein change: p.Ser70Pro; replaces serine 70 with proline.
Molecular consequence: missense variant.
Genome position (GRCh38, 1-based): chr16:23,637,853, A>G on the plus strand (T>C on the coding strand, the complement: PALB2 is on the minus strand). VCF-style: chr16-23637853-A-G. GRCh37 (hg19) VCF-style: chr16-23649174-A-G.
Other names: p.S70P:TCA>CCA; short protein forms S70P.
Identifiers: ClinVar variation 182781 (VCV000182781.15), dbSNP rs730881900, ClinGen allele CA299769.

ClinVar aggregate classification (germline): Uncertain significance. Review status: criteria provided, multiple submitters, no conflicts (2 of 4 stars). 3 submissions from 3 submitters: Uncertain significance (3). Last evaluated 2025-05-21.

Conditions:
Hereditary cancer-predisposing syndrome. Also called: Tumor predisposition; Hereditary Cancer Syndrome; Hereditary neoplastic syndrome; Neoplastic Syndromes, Hereditary. Identifiers: Orphanet 140162, MedGen C0027672, MeSH D009386, MONDO:0015356.
Familial cancer of breast. Also called: BREAST CANCER, FAMILIAL; Hereditary breast cancer; hereditary breast carcinoma. Identifiers: Orphanet 227535, MedGen C0346153, MONDO:0016419, OMIM 114480. Disease mechanism: loss of function.

Submissions (3):

Ambry Genetics
Classification: Uncertain significance for Hereditary cancer-predisposing syndrome. Last evaluated: 2025-05-21. Review status: criteria provided, single submitter. Criteria: Ambry Variant Classification Scheme 2023. Collection method: clinical testing. Allele origin: germline.
Comment: The p.S70P variant (also known as c.208T>C), located in coding exon 3 of the PALB2 gene, results from a T to C substitution at nucleotide position 208. The serine at codon 70 is replaced by proline, an amino acid with similar properties. This amino acid position is well conserved in available vertebrate species. In addition, this alteration is predicted to be tolerated by in silico analysis. Based on the available evidence, the clinical significance of this variant remains unclear.

Labcorp Genetics (formerly Invitae), Labcorp
Classification: Uncertain significance for Familial cancer of breast. Last evaluated: 2019-11-13. Review status: criteria provided, single submitter. Criteria: Invitae Variant Classification Sherloc (09022015). Collection method: clinical testing. Allele origin: germline.
Comment: In summary, the available evidence is currently insufficient to determine the role of this variant in disease. Therefore, it has been classified as a Variant of Uncertain Significance. Algorithms developed to predict the effect of missense changes on protein structure and function are either unavailable or do not agree on the potential impact of this missense change (SIFT: "Deleterious"; PolyPhen-2: "Benign"; Align-GVGD: "Class C65"). This variant has not been reported in the literature in individuals with PALB2-related conditions. ClinVar contains an entry for this variant (Variation ID: 182781). This variant is not present in population databases (ExAC no frequency). This sequence change replaces serine with proline at codon 70 of the PALB2 protein (p.Ser70Pro). The serine residue is highly conserved and there is a moderate physicochemical difference between serine and proline.

GeneDx
Classification: Uncertain significance. Last evaluated: 2014-07-29. Review status: criteria provided, single submitter. Criteria: GeneDx Variant Classification (06012015). Collection method: clinical testing. Allele origin: germline. Affected: yes.
Comment: This variant is denoted PALB2 c.208T>C at the cDNA level, p.Ser70Pro (S70P) at the protein level, and results in the change of a Serine to a Proline (TCA>CCA). This variant has not, to our knowledge, been published in the literature as pathogenic or benign. PALB2 Ser70Pro was not observed in approximately 6,500 individuals of European and African American ancestry in the NHLBI Exome Sequencing Project, indicating it is not a common benign variant in these populations. Since Serine and Proline differ in polarity, charge, size or other properties, this is considered a non-conservative amino acid substitution. PALB2 Ser70Pro occurs at a position that is conserved across species and is located in the DNA and BRCA2 binding sites and the coiled-coil motif (Teo 2013). In silico analyses predict that this variant is unlikely to alter protein structure or function. Based on currently available information, it is unclear whether PALB2 Ser70Pro is pathogenic or benign. We consider it to be a variant of uncertain significance.